The following is an entry in ClinVar:

NM_000430.4(PAFAH1B1):c.1160-77G>A

Gene: PAFAH1B1 (platelet activating factor acetylhydrolase 1b regulatory subunit 1; plus strand). Cytogenetic location: 17p13.3.
Variant type: single nucleotide variant.
Coding change: c.1160-77G>A on transcript NM_000430.4 (MANE Select); 77 bases into the intron before coding-DNA position 1160, G replaced by A.
Molecular consequence: intron variant.
Genome position (GRCh38, 1-based): chr17:2,681,652, G>A. VCF-style: chr17-2681652-G-A. GRCh37 (hg19) VCF-style: chr17-2584946-G-A.
Other names: NC_000017.10:g.2584946G>A.
Identifiers: ClinVar variation 673026 (VCV000673026.3), dbSNP rs62068249, ClinGen allele CA14415323.
Genomic context (GRCh38, chr17:2,681,652, plus strand): 5'-GCTGGGACTACAGGCACACACTACCATGCCCGGCTAATTTTTTTTTTAATTTTGTATTTT[G>A]TAGAGAGGGGGTCTCACTATGTTTGTTGTCCAGGCTTACGTGTGAGTTTTAAATAAACCA-3'

ClinVar aggregate classification (germline): Benign. Review status: criteria provided, multiple submitters, no conflicts (2 of 4 stars). 2 submissions from 2 submitters: Benign (2). Last evaluated 2018-06-19.

Allele frequency attached by ClinVar (database versions not stated): gnomAD 0.13980; 1000 Genomes Project 30x 0.17770; 1000 Genomes Project 0.18211; TOPMed 0.12072.
gnomAD v4.1: 167,582 of 1,106,788 alleles (15%); highest among the groups gnomAD compares: South Asian, 28%; 14,636 homozygotes.

Submissions (5):

GeneDx
Classification: Benign. Last evaluated: 2018-06-19. Review status: criteria provided, single submitter. Criteria: GeneDx Variant Classification (06012015). Collection method: clinical testing. Allele origin: germline. Affected: yes.
Comment: This variant is considered likely benign or benign based on one or more of the following criteria: it is a conservative change, it occurs at a poorly conserved position in the protein, it is predicted to be benign by multiple in silico algorithms, and/or has population frequency not consistent with disease.

Breakthrough Genomics
Classification: Benign. Review status: criteria provided, single submitter. Criteria: ACMG Guidelines, 2015. Collection method: not provided. Allele origin: germline. Inheritance: Autosomal dominant inheritance. Affected: yes.

Dr. Peter K. Rogan Lab, Western University
No classification provided (evidence only). Condition: Uterine carcinosarcoma. Review status: no classification provided. Collection method: in vitro. Allele origin: not applicable. Functional consequence: retained intron. Not counted in ClinVar's aggregate classification.

Dr. Peter K. Rogan Lab, Western University
No classification provided (evidence only). Condition: Uterine carcinosarcoma. Review status: no classification provided. Collection method: in vitro. Allele origin: not applicable. Functional consequence: retained intron. Not counted in ClinVar's aggregate classification.

Dr. Peter K. Rogan Lab, Western University
No classification provided (evidence only). Condition: Uterine carcinosarcoma. Review status: no classification provided. Collection method: in vitro. Allele origin: not applicable. Functional consequence: retained intron. Not counted in ClinVar's aggregate classification.